The following is an entry in ClinVar:

ClinVar aggregate classification (germline): Likely benign (0 of 4 stars; one submission).

Conditions:
MSR1-related disorder. Also called: MSR1-related condition.

Allele frequency attached by ClinVar (database versions not stated): TOPMed 0.00002; gnomAD 0.00008; ExAC 0.00027; 1000 Genomes Project 30x 0.00047; 1000 Genomes Project 0.00060.

Submission:

PreventionGenetics, part of Exact Sciences
Classification: Likely benign for MSR1-related condition. Last evaluated: 2019-05-06. Review status: no assertion criteria provided. Collection method: clinical testing. Allele origin: germline.
Comment: This variant is classified as likely benign based on ACMG/AMP sequence variant interpretation guidelines (Richards et al. 2015 PMID: 25741868, with internal and published modifications).

NM_138715.3(MSR1):c.732G>A (p.Val244=)

Gene: MSR1 (macrophage scavenger receptor 1; minus strand). Cytogenetic location: 8p22.
Variant type: single nucleotide variant.
Coding change: c.732G>A on transcript NM_138715.3 (MANE Select); coding-DNA position 732, G replaced by A.
Protein change: p.Val244=; no amino-acid change (valine 244 retained).
Molecular consequence: synonymous variant.
Genome position (GRCh38, 1-based): chr8:16,164,150, C>T on the plus strand (G>A on the coding strand, the complement: MSR1 is on the minus strand). VCF-style: chr8-16164150-C-T. GRCh37 (hg19) VCF-style: chr8-16021659-C-T.
Other names: c.786G>A, p.Val262= (NM_001363744.1); c.732G>A, p.Val244= (NM_002445.4, NM_138716.3).
Identifiers: ClinVar variation 3041467 (VCV003041467.2), dbSNP rs555965157, ClinGen allele CA4641202.